The following is an entry in ClinVar:

ClinVar aggregate classification (germline): Pathogenic (1 of 4 stars; one submission).

Conditions:
Breast-ovarian cancer, familial, susceptibility to, 4. Identifiers: Orphanet 145, MedGen C3280345, MONDO:0013669, OMIM 614291.

Submission:

Labcorp Genetics (formerly Invitae), Labcorp
Classification: Pathogenic for Breast-ovarian cancer, familial, susceptibility to, 4. Last evaluated: 2017-07-21. Review status: criteria provided, single submitter. Criteria: Invitae Variant Classification Sherloc (09022015). Collection method: clinical testing. Allele origin: germline.
Comment: This variant is an out-of-frame deletion of the genomic region encompassing exons 4-6 of the RAD51D gene. This creates a premature translational stop signal and is expected to result in an absent or disrupted protein product. This deletion has not been reported in the literature in individuals with RAD51D-related disease. Loss-of-function variants in RAD51D are known to be pathogenic (PMID: 15109494, 23149936). For these reasons, this variant has been classified as Pathogenic.

NC_000017.11:g.(?_35106380)_(35107453_?)del

Genes: RAD51D (RAD51 paralog D; minus strand), RAD51L3-RFFL (RAD51L3-RFFL readthrough; minus strand). Cytogenetic location: 17q12.
Variant type: Deletion.
Identifiers: ClinVar variation 472585 (VCV000472585.1).